The following is an entry in ClinVar:

ClinVar aggregate classification (germline): Uncertain significance (1 of 4 stars; one submission).

Submission:

Women's Health and Genetics/Laboratory Corporation of America, LabCorp
Classification: Uncertain significance. Last evaluated: 2025-06-06. Review status: criteria provided, single submitter. Criteria: LabCorp Variant Classification Summary - May 2015. Collection method: clinical testing. Allele origin: germline.
Comment: Variant summary: KCNT1 c.3173C>A (p.Ala1058Asp) results in a non-conservative amino acid change in the encoded protein sequence. Algorithms developed to predict the effect of missense changes on protein structure and function are either unavailable or do not agree on the potential impact of this missense change. The variant allele was found at a frequency of 4e-06 in 249648 control chromosomes. The available data on variant occurrences in the general population are insufficient to allow any conclusion about variant significance. To our knowledge, no occurrence of c.3173C>A in individuals affected with Developmental And Epileptic Encephalopathy, 14 and no experimental evidence demonstrating its impact on protein function have been reported. No submitters have cited clinical-significance assessments for this variant to ClinVar. Based on the evidence outlined above, the variant was classified as uncertain significance.

NM_020822.3(KCNT1):c.3173C>A (p.Ala1058Asp)

Gene: KCNT1 (potassium sodium-activated channel subfamily T member 1; plus strand). Cytogenetic location: 9q34.3.
Variant type: single nucleotide variant.
Coding change: c.3173C>A on transcript NM_020822.3 (MANE Select); coding-DNA position 3173, C replaced by A.
Protein change: p.Ala1058Asp; replaces alanine 1058 with aspartic acid.
Molecular consequence: missense variant.
Genome position (GRCh38, 1-based): chr9:135,785,326, C>A. VCF-style: chr9-135785326-C-A. GRCh37 (hg19) VCF-style: chr9-138677172-C-A.
Other names: c.3038C>A, p.Ala1013Asp (NM_001272003.2); short protein forms A1013D, A1058D.
Identifiers: ClinVar variation 3907327 (VCV003907327.1).
Genomic context (GRCh38, chr9:135,785,326, plus strand): 5'-GGGGTGCGCCCACAGGTCCCAGACTGCGCCTGTTTCCTTTGCAGCCCCACGACCTCAGAG[C>A]CCAGGTAAGCAACCCCTCCGTGCCCACGCAGCTTCTGCGGAGCACCAGAACATCGCAGCT-3'
Protein context (NP_065873.2, residues 1048-1068): FSTSEPHDLR[Ala1058Asp]QSQISVNVED